The following is an entry in ClinVar:

NM_017617.5(NOTCH1):c.711C>T (p.Gly237=)

Gene: NOTCH1 (notch receptor 1; minus strand). Cytogenetic location: 9q34.3.
Variant type: single nucleotide variant.
Coding change: c.711C>T on transcript NM_017617.5 (MANE Select); coding-DNA position 711, C replaced by T.
Protein change: p.Gly237=; no amino-acid change (glycine 237 retained).
Molecular consequence: synonymous variant.
Genome position (GRCh38, 1-based): chr9:136,522,881, G>A on the plus strand (C>T on the coding strand, the complement: NOTCH1 is on the minus strand). VCF-style: chr9-136522881-G-A. GRCh37 (hg19) VCF-style: chr9-139417333-G-A.
Other names: p.Gly237=; c.711C>T, p.Gly237= (LRG_1122t1); c.711C>T (NM_017617.4).
Identifiers: ClinVar variation 197310 (VCV000197310.34), dbSNP rs61751557, ClinGen allele CA202813.
Genomic context (GRCh38, chr9:136,522,881, plus strand): 5'-CGTGCACCCCGGCCAGCGGGCAGCACTACCTGGCAGGCAGGCACACTCGTGGGTGACGTC[G>A]CCCGTGGGGCGGCAGGTGCCCCCGTTCTGGCAGGGCGAGGGGCTGCAGGGCACGTAGGGC-3'
Protein context (NP_060087.3, residues 227-247): CQNGGTCRPT[Gly237=]DVTHECACLP

ClinVar aggregate classification (germline): Benign. Review status: criteria provided, multiple submitters, no conflicts (2 of 4 stars). 12 submissions from 11 submitters: Benign (12). Last evaluated 2026-02-04.

Conditions:
Adams-Oliver syndrome 5 (AOS5). Identifiers: Orphanet 974, MedGen C4014970, MONDO:0014459, OMIM 616028.
Aortic valve disease 1 (AOVD1). Identifiers: MedGen C3887892, MONDO:0024523, OMIM 109730.
Familial thoracic aortic aneurysm and aortic dissection (TAAD). Also called: Thoracic aortic aneurysms and dissections. Identifiers: Orphanet 91387, MedGen C4707243, MONDO:0019625.

Allele frequency attached by ClinVar (database versions not stated): gnomAD exomes 0.00194 and 0.00529; ESP Exome Variant Server 0.01478; gnomAD 0.01742 and 0.01860; TOPMed 0.01969; 1000 Genomes Project 0.02037; ExAC 0.02168; 1000 Genomes Project 30x 0.02171.
gnomAD v4.1: 5,399 of 1,524,882 alleles (0.35%); highest among the groups gnomAD compares: African/African-American, 6.1%; 162 homozygotes.

Submissions (19):

Labcorp Genetics (formerly Invitae), Labcorp
Classification: Benign for Adams-Oliver syndrome 5. Last evaluated: 2026-02-04. Review status: criteria provided, single submitter. Criteria: Invitae Variant Classification Sherloc (09022015). Collection method: clinical testing. Allele origin: germline.

CeGaT Center for Human Genetics Tuebingen
Classification: Benign. Last evaluated: 2025-10-01. Review status: criteria provided, single submitter. Criteria: CeGaT Center For Human Genetics Tuebingen Variant Classification Criteria Version 2. Collection method: clinical testing. Allele origin: germline. Affected: yes. Observed: 1 variant allele.
Comment: NOTCH1: BP4, BP7, BS1, BS2

ARUP Laboratories, Molecular Genetics and Genomics, ARUP Laboratories
Classification: Benign. Last evaluated: 2025-07-14. Review status: criteria provided, single submitter. Criteria: ARUP Molecular Germline Variant Investigation Process 2024. Collection method: clinical testing. Allele origin: germline.

Women's Health and Genetics/Laboratory Corporation of America, LabCorp
Classification: Benign. Last evaluated: 2023-07-21. Review status: criteria provided, single submitter. Criteria: LabCorp Variant Classification Summary - May 2015. Collection method: clinical testing. Allele origin: germline.

Genome-Nilou Lab
Classification: Benign for Adams-Oliver syndrome 5. Last evaluated: 2022-03-15. Review status: criteria provided, single submitter. Criteria: ACMG Guidelines, 2015. Collection method: clinical testing. Allele origin: germline. Affected: no.

Genome-Nilou Lab
Classification: Benign for Aortic valve disease 1. Last evaluated: 2022-03-15. Review status: criteria provided, single submitter. Criteria: ACMG Guidelines, 2015. Collection method: clinical testing. Allele origin: germline. Affected: no.

Fulgent Genetics
Classification: Benign for Aortic valve disease 1; Adams-Oliver syndrome 5. Last evaluated: 2021-07-13. Review status: criteria provided, single submitter. Criteria: ACMG Guidelines, 2015. Collection method: clinical testing. Allele origin: unknown.

Mayo Clinic Laboratories, Mayo Clinic
Classification: Benign. Last evaluated: 2019-12-26. Review status: criteria provided, single submitter. Criteria: ACMG Guidelines, 2015. Collection method: clinical testing. Allele origin: germline. Observed: 9 variant alleles.

GeneDx
Classification: Benign. Last evaluated: 2016-10-14. Review status: criteria provided, single submitter. Criteria: GeneDx Variant Classification (06012015). Collection method: clinical testing. Allele origin: germline. Affected: yes.
Comment: This variant is considered likely benign or benign based on one or more of the following criteria: it is a conservative change, it occurs at a poorly conserved position in the protein, it is predicted to be benign by multiple in silico algorithms, and/or has population frequency not consistent with disease.

Ambry Genetics
Classification: Benign for Familial thoracic aortic aneurysm and aortic dissection. Last evaluated: 2015-04-16. Review status: criteria provided, single submitter. Criteria: Ambry Variant Classification Scheme 2023. Collection method: clinical testing. Allele origin: germline.

Eurofins Ntd Llc (ga)
Classification: Benign. Last evaluated: 2015-01-20. Review status: criteria provided, single submitter. Criteria: EGL Classification Definitions 2015. Collection method: clinical testing. Allele origin: germline. Observed: 1 variant allele, 1 heterozygote.

Breakthrough Genomics
Classification: Benign. Review status: criteria provided, single submitter. Criteria: ACMG Guidelines, 2015. Collection method: not provided. Allele origin: germline. Inheritance: Autosomal dominant inheritance. Affected: yes.

Dr. Peter K. Rogan Lab, Western University
No classification provided (evidence only). Condition: Colon adenocarcinoma. Review status: no classification provided. Collection method: in vitro. Allele origin: not applicable. Functional consequence: retained intron. Not counted in ClinVar's aggregate classification.

Dr. Peter K. Rogan Lab, Western University
No classification provided (evidence only). Condition: Uterine corpus endometrial carcinoma. Review status: no classification provided. Collection method: in vitro. Allele origin: not applicable. Functional consequence: retained intron. Not counted in ClinVar's aggregate classification.

Dr. Peter K. Rogan Lab, Western University
No classification provided (evidence only). Condition: Cervical cancer. Review status: no classification provided. Collection method: in vitro. Allele origin: not applicable. Functional consequence: retained intron. Not counted in ClinVar's aggregate classification.

Dr. Peter K. Rogan Lab, Western University
No classification provided (evidence only). Condition: Cervical cancer. Review status: no classification provided. Collection method: in vitro. Allele origin: not applicable. Functional consequence: retained intron. Not counted in ClinVar's aggregate classification.

Dr. Peter K. Rogan Lab, Western University
No classification provided (evidence only). Condition: Sarcoma. Review status: no classification provided. Collection method: in vitro. Allele origin: not applicable. Functional consequence: retained intron. Not counted in ClinVar's aggregate classification.

Dr. Peter K. Rogan Lab, Western University
No classification provided (evidence only). Condition: Hepatocellular carcinoma. Review status: no classification provided. Collection method: in vitro. Allele origin: not applicable. Functional consequence: retained intron. Not counted in ClinVar's aggregate classification.

Dr. Peter K. Rogan Lab, Western University
No classification provided (evidence only). Condition: Ovarian serous cystadenocarcinoma. Review status: no classification provided. Collection method: in vitro. Allele origin: not applicable. Functional consequence: retained intron. Not counted in ClinVar's aggregate classification.

Literature cited by the submitters: PubMed 24943832 (cited by Women's Health and Genetics/Laboratory Corporation of America, LabCorp); PubMed 16614245 (cited by Women's Health and Genetics/Laboratory Corporation of America, LabCorp); PubMed 21670202 (cited by Women's Health and Genetics/Laboratory Corporation of America, LabCorp); PubMed 22210878 (cited by Women's Health and Genetics/Laboratory Corporation of America, LabCorp); PubMed 19635999 (cited by Women's Health and Genetics/Laboratory Corporation of America, LabCorp); PubMed 26837699 (cited by Women's Health and Genetics/Laboratory Corporation of America, LabCorp); PubMed 23086750 (cited by Women's Health and Genetics/Laboratory Corporation of America, LabCorp); PubMed 19245433 (cited by Women's Health and Genetics/Laboratory Corporation of America, LabCorp); PubMed 22077063 (cited by Women's Health and Genetics/Laboratory Corporation of America, LabCorp); PubMed 15472075 (cited by Women's Health and Genetics/Laboratory Corporation of America, LabCorp); PubMed 23734977 (cited by Women's Health and Genetics/Laboratory Corporation of America, LabCorp); PubMed 22858860 (cited by Women's Health and Genetics/Laboratory Corporation of America, LabCorp).